The following is an entry in ClinVar:

ClinVar aggregate classification (germline): Uncertain significance (1 of 4 stars; one submission).

Conditions:
Okur-Chung neurodevelopmental syndrome (OCNDS). Identifiers: Orphanet 689422, MedGen C4310739, MONDO:0014893, OMIM 617062.

gnomAD v4.1: 9 of 1,613,358 alleles (0.00056%); highest among the groups gnomAD compares: South Asian, 0.0099%; no homozygotes.

Submission:

Neuberg Centre For Genomic Medicine, NCGM
Classification: Uncertain significance for Okur-Chung neurodevelopmental syndrome. Review status: criteria provided, single submitter. Criteria: ACMG Guidelines, 2015. Collection method: clinical testing. Allele origin: germline. Inheritance: Autosomal dominant inheritance. Affected: yes.
Comment: The observed missense c.1013G>C(p.Ser338Thr) variant in gene has not been reported previously as a pathogenic variant nor as a benign variant, to our knowledge. The variant has been reported with allele frequency of 0.0008% in gnomAD Exomes. This variant has not been submitted to the ClinVar database. The amino acid change p.Ser338Thr in CSNK2A1 is predicted as conserved by GERP++ and PhyloP across 100 vertebrates. The amino acid Ser at position 338 is changed to a Thr changing protein sequence and it might alter its composition and physico-chemical properties. For these reasons, this variant has been classified as Variant of Uncertain Significance (VUS).

NM_177559.3(CSNK2A1):c.1013G>C (p.Ser338Thr)

Gene: CSNK2A1 (casein kinase 2 alpha 1; minus strand). Cytogenetic location: 20p13.
Variant type: single nucleotide variant.
Coding change: c.1013G>C on transcript NM_177559.3 (MANE Select); coding-DNA position 1013, G replaced by C.
Protein change: p.Ser338Thr; replaces serine 338 with threonine.
Molecular consequence: missense variant.
Genome position (GRCh38, 1-based): chr20:486,423, C>G on the plus strand (G>C on the coding strand, the complement: CSNK2A1 is on the minus strand). VCF-style: chr20-486423-C-G. GRCh37 (hg19) VCF-style: chr20-467067-C-G.
Other names: c.1013G>C, p.Ser338Thr (NM_001362770.2, NM_001362771.2, NM_001895.4); c.605G>C, p.Ser202Thr (NM_177560.3); short protein forms S202T, S338T.
Identifiers: ClinVar variation 3242179 (VCV003242179.1), dbSNP rs191244406.